The following is an entry in ClinVar:

NM_000322.5(PRPH2):c.994del (p.Val332fs)

Gene: PRPH2 (peripherin 2; minus strand). Cytogenetic location: 6p21.1.
Variant type: Deletion.
Coding change: c.994del on transcript NM_000322.5 (MANE Select); coding-DNA position 994, one base deleted (G; older notation c.994delG).
Protein change: p.Val332fs; shifts the reading frame from valine 332.
Molecular consequence: frameshift variant.
Genome position (GRCh38, 1-based): chr6:42,698,342, C deleted on the plus strand (G on the coding strand, the reverse complement: PRPH2 is on the minus strand); the first of 2 consecutive C bases (chr6:42,698,342-42,698,343); deleting either gives the same sequence. VCF-style (leftmost placement, unchanged base first): chr6-42698341-AC-A. GRCh37 (hg19) VCF-style: chr6-42666079-AC-A.
Other names: short protein forms V332fs.
Identifiers: ClinVar variation 1392728 (VCV001392728.6), dbSNP rs2152003792, ClinGen allele CA2573140845.

ClinVar aggregate classification (germline): Pathogenic (1 of 4 stars; one submission).

Conditions:
PRPH2-related disorder. Also called: PRPH2-related condition; PRPH2-related disorders. Identifiers: MedGen CN239395.

Submission:

Labcorp Genetics (formerly Invitae), Labcorp
Classification: Pathogenic for PRPH2-related disorder. Last evaluated: 2023-03-14. Review status: criteria provided, single submitter. Criteria: Invitae Variant Classification Sherloc (09022015). Collection method: clinical testing. Allele origin: germline.
Comment: This frameshift has been observed in individual(s) with retinal dystrophy (Invitae). This variant is not present in population databases (gnomAD no frequency). This sequence change results in a frameshift in the PRPH2 gene (p.Val332Trpfs*29). While this is not anticipated to result in nonsense mediated decay, it is expected to disrupt the last 15 amino acid(s) of the PRPH2 protein and extend the protein by 13 additional amino acid residues. ClinVar contains an entry for this variant (Variation ID: 1392728). For these reasons, this variant has been classified as Pathogenic. This variant disrupts a region of the PRPH2 protein in which other variant(s) (p.Val332Glu) have been determined to be pathogenic (PMID: 30718709, 32531846; Invitae). This suggests that this is a clinically significant region of the protein, and that variants that disrupt it are likely to be disease-causing.

Literature cited by the submitters: PubMed 30718709; PubMed 32531846.